The following is an entry in ClinVar:

NM_000128.4(F11):c.325+1G>A

Gene: F11 (coagulation factor XI; plus strand). Cytogenetic location: 4q35.2.
Variant type: single nucleotide variant.
Coding change: c.325+1G>A on transcript NM_000128.4 (MANE Select); the canonical splice donor site of the intron after coding-DNA position 325, G replaced by A.
Molecular consequence: splice donor variant.
Genome position (GRCh38, 1-based): chr4:186,273,178, G>A. VCF-style: chr4-186273178-G-A. GRCh37 (hg19) VCF-style: chr4-187194332-G-A.
Other names: c.325+1G>A (NM_001354804.2, NM_000128.3).
Identifiers: ClinVar variation 1073465 (VCV001073465.12), dbSNP rs140190776, ClinGen allele CA112150213.

ClinVar aggregate classification (germline): Pathogenic. Review status: criteria provided, multiple submitters, no conflicts (2 of 4 stars). 4 submissions from 4 submitters: Pathogenic (3). 1 of the submissions does not count toward it. Last evaluated 2026-07-12.

Conditions:
Plasma factor XI deficiency.
Hereditary factor XI deficiency disease. Also called: Congenital factor XI deficiency; PLASMA THROMBOPLASTIN ANTECEDENT DEFICIENCY; PTA DEFICIENCY; ROSENTHAL SYNDROME. Identifiers: Orphanet 329, MedGen C0015523, MeSH D005173, MONDO:0012897, OMIM 612416.
F11-related disorder. Also called: F11-related condition.

Allele frequency attached by ClinVar (database versions not stated): ESP Exome Variant Server 0.00015; TOPMed 0.00003; gnomAD exomes 0.00002 and 0.00006; gnomAD 0.00003 and 0.00004.
gnomAD v4.1: 92 of 1,607,160 alleles (0.0057%); highest among the groups gnomAD compares: Non-Finnish European, 0.0078%; no homozygotes.

Submissions (4):

Department of Pediatrics, Duzce University
Classification: Pathogenic for Hereditary factor XI deficiency disease. Last evaluated: 2026-07-12. Review status: criteria provided, single submitter. Criteria: ACMG Guidelines, 2015. Collection method: research. Allele origin: germline. Inheritance: Autosomal recessive inheritance. Affected: yes. Observed: 1 variant allele, 1 heterozygote.
Comment: Splice-donor (+1) null. Recurrent variant in Turkish FXI-deficiency patients (homozygotes severe). ClinVar 3x Pathogenic (per lab); VAF 42%.

Natera, Inc.
Classification: Pathogenic for Plasma factor XI deficiency. Last evaluated: 2025-11-25. Review status: criteria provided, single submitter. Criteria: Natera Variant Classification Schema (03/2026). Collection method: clinical testing. Allele origin: germline.
Comment: The c.325+1G>A variant in F11 is a canonical splice donor site variant predicted to affect pre-mRNA splicing, which may result in an abnormal transcript and altered protein product. This variant is expected to result in nonsense mediated decay, truncation, or a dysfunctional protein product. This variant is rare in the general population with a frequency below the threshold expected for the associated phenotype(s). This variant has been observed in one or more individuals affected with the associated recessive disease, as either homozygous or compound heterozygous with a second variant (PMID: 27723456, 29178608). Functional studies show that this variant may disrupt protein function (PMID: 29178608). Given the available evidence, this variant is classified as Pathogenic.

Labcorp Genetics (formerly Invitae), Labcorp
Classification: Pathogenic. Last evaluated: 2025-10-17. Review status: criteria provided, single submitter. Criteria: Invitae Variant Classification Sherloc (09022015). Collection method: clinical testing. Allele origin: germline.
Comment: This sequence change affects a donor splice site in intron 4 of the F11 gene. RNA analysis indicates that disruption of this splice site induces altered splicing and likely disrupts the C-terminus of the protein. The frequency data for this variant in the population databases is considered unreliable, as metrics indicate poor data quality at this position in the gnomAD database. Disruption of this splice site has been observed in individual(s) with factor XI deficiency (PMID: 16835901, 29178608). ClinVar contains an entry for this variant (Variation ID: 1073465). Studies have shown that disruption of this splice site results in skipping of exon 4 and introduces a new termination codon (PMID: 29178608). However the mRNA is not expected to undergo nonsense-mediated decay. For these reasons, this variant has been classified as Pathogenic.

PreventionGenetics, part of Exact Sciences
Classification: Pathogenic for F11-related condition. Last evaluated: 2024-02-15. Review status: no assertion criteria provided. Collection method: clinical testing. Allele origin: germline. Not counted in ClinVar's aggregate classification.
Comment: The F11 c.325+1G>A variant is predicted to disrupt the GT donor site and interfere with normal splicing. This variant was reported in heterozygous state in one individual or in compound heterozygous state an two individuals with Factor XI deficiency (Table 2, Mitchell et al. 2006. PubMed ID: 16835901; Rimoldi et al. 2017. PubMed ID: 29178608). In vitro splicing assays also suggest this variant impacts splicing (Rimoldi et al. 2017. PubMed ID: 29178608). This variant is reported in 0.0039% of alleles in individuals of European (Non-Finnish) descent in gnomAD. Variants that disrupt the consensus splice donor site in F11 are expected to be pathogenic. This variant is interpreted as pathogenic.

Literature cited by the submitters: PubMed 27723456 (cited by Natera, Inc.); PubMed 29178608 (cited by Natera, Inc. and Labcorp Genetics (formerly Invitae), Labcorp); PubMed 16835901 (cited by Labcorp Genetics (formerly Invitae), Labcorp).